The following is an entry in ClinVar:

NM_181538.3(GJC3):c.210C>G (p.Pro70=)

Gene: GJC3 (gap junction protein gamma 3; minus strand). Cytogenetic location: 7q22.1.
Variant type: single nucleotide variant.
Coding change: c.210C>G on transcript NM_181538.3 (MANE Select); coding-DNA position 210, C replaced by G.
Protein change: p.Pro70=; no amino-acid change (proline 70 retained).
Molecular consequence: synonymous variant.
Genome position (GRCh38, 1-based): chr7:99,929,411, G>C on the plus strand (C>G on the coding strand, the complement: GJC3 is on the minus strand). VCF-style: chr7-99929411-G-C. GRCh37 (hg19) VCF-style: chr7-99527034-G-C.
Identifiers: ClinVar variation 3040130 (VCV003040130.2), dbSNP rs772822105, ClinGen allele CA4371305.

ClinVar aggregate classification (germline): Likely benign (0 of 4 stars; one submission).

Conditions:
GJC3-related disorder. Also called: GJC3-related condition.

gnomAD v4.1: 40 of 1,614,074 alleles (0.0025%); highest among the groups gnomAD compares: East Asian, 0.0089%; no homozygotes.

Submission:

PreventionGenetics, part of Exact Sciences
Classification: Likely benign for GJC3-related condition. Last evaluated: 2019-09-17. Review status: no assertion criteria provided. Collection method: clinical testing. Allele origin: germline.
Comment: This variant is classified as likely benign based on ACMG/AMP sequence variant interpretation guidelines (Richards et al. 2015 PMID: 25741868, with internal and published modifications).